The following is an entry in ClinVar:

ClinVar aggregate classification (germline): Uncertain significance (1 of 4 stars; one submission).

Conditions:
Dilated cardiomyopathy 1O (CMD1O). Also called: CARDIOMYOPATHY, DILATED, WITH VENTRICULAR TACHYCARDIA. Identifiers: Orphanet 154, MedGen C1837839, MONDO:0012062, OMIM 608569.

Submission:

Labcorp Genetics (formerly Invitae), Labcorp
Classification: Uncertain significance for Dilated cardiomyopathy 1O. Last evaluated: 2022-03-23. Review status: criteria provided, single submitter. Criteria: Invitae Variant Classification Sherloc (09022015). Collection method: clinical testing. Allele origin: germline.
Comment: In summary, the available evidence is currently insufficient to determine the role of this variant in disease. Therefore, it has been classified as a Variant of Uncertain Significance. This sequence change replaces glycine, which is neutral and non-polar, with arginine, which is basic and polar, at codon 989 of the ABCC9 protein (p.Gly989Arg). This variant is not present in population databases (gnomAD no frequency). This variant has not been reported in the literature in individuals affected with ABCC9-related conditions. ClinVar contains an entry for this variant (Variation ID: 651026). Algorithms developed to predict the effect of missense changes on protein structure and function (SIFT, PolyPhen-2, Align-GVGD) all suggest that this variant is likely to be tolerated. Algorithms developed to predict the effect of sequence changes on RNA splicing suggest that this variant may create or strengthen a splice site.

NM_020297.4(ABCC9):c.2965G>A (p.Gly989Arg)

Gene: ABCC9 (ATP binding cassette subfamily C member 9; minus strand). Cytogenetic location: 12p12.1.
Variant type: single nucleotide variant.
Coding change: c.2965G>A on transcript NM_020297.4 (MANE Select); coding-DNA position 2965, G replaced by A.
Protein change: p.Gly989Arg; replaces glycine 989 with arginine.
Molecular consequence: missense variant.
Genome position (GRCh38, 1-based): chr12:21,845,734, C>T on the plus strand (G>A on the coding strand, the complement: ABCC9 is on the minus strand). VCF-style: chr12-21845734-C-T. GRCh37 (hg19) VCF-style: chr12-21998668-C-T.
Other names: c.2965G>A, p.Gly989Arg (NM_001377273.1, NM_005691.4); c.2098G>A, p.Gly700Arg (NM_001377274.1); short protein forms G989R, G700R.
Identifiers: ClinVar variation 651026 (VCV000651026.8), dbSNP rs1592054339, ClinGen allele CA384120175.
Genomic context (GRCh38, chr12:21,845,734, plus strand): 5'-CAATGACCGAATGCTTCAAAAGCTTAGAGAAAATCATCAGGATGAGCAGGAAGAATCCTC[C>T]AGATGTCAGGTAGCGCCAGCAGGTTTTCCATGGCATTTTAGTCCTGAGCCTCATTACAGT-3'
Protein context (NP_064693.2, residues 979-999): WKTCWRYLTS[Gly989Arg]GFFLLILMIF